The following is an entry in ClinVar:

NM_019098.5(CNGB3):c.*915G>C

Gene: CNGB3 (cyclic nucleotide gated channel subunit beta 3; minus strand). Cytogenetic location: 8q21.3.
Variant type: single nucleotide variant.
Coding change: c.*915G>C on transcript NM_019098.5 (MANE Select); 915 bases downstream of the stop codon, G replaced by C.
Molecular consequence: 3 prime UTR variant.
Genome position (GRCh38, 1-based): chr8:86,574,889, C>G on the plus strand (G>C on the coding strand, the complement: CNGB3 is on the minus strand). VCF-style: chr8-86574889-C-G. GRCh37 (hg19) VCF-style: chr8-87587117-C-G.
Identifiers: ClinVar variation 910388 (VCV000910388.4), dbSNP rs189446254, ClinGen allele CA180328369.

ClinVar aggregate classification (germline): Benign. Review status: criteria provided, single submitter (1 of 4 stars). 2 submissions from 1 submitter: Benign (2). Last evaluated 2017-04-27.

Conditions:
Achromatopsia 3 (ACHM3). Also called: PINGELAPESE BLINDNESS; TOTAL COLORBLINDNESS WITH MYOPIA; ROD MONOCHROMACY 1; ROD MONOCHROMATISM 1; ACHROMATOPSIA WITH MYOPIA. Identifiers: Orphanet 49382, MedGen C1849792, MONDO:0009875, OMIM 262300.
Severe early-childhood-onset retinal dystrophy (STGD1). Also called: Stargardt macular dystrophy; Juvenile onset macular degeneration; Stargardt disease 1; MACULAR DYSTROPHY WITH FLECKS, TYPE 1; STGD. Identifiers: Orphanet 364055, Orphanet 827, MedGen C1855465, MeSH D000080362, MONDO:0009549, OMIM 248200.

Allele frequency attached by ClinVar (database versions not stated): TOPMed 0.00012; 1000 Genomes Project 30x 0.00187; 1000 Genomes Project 0.00220.

Submissions (2):

Illumina Laboratory Services, Illumina
Classification: Benign for Severe early-childhood-onset retinal dystrophy. Last evaluated: 2017-04-27. Review status: criteria provided, single submitter. Criteria: ICSL Variant Classification Criteria 13 December 2019. Collection method: clinical testing. Allele origin: germline.
Comment: This variant was observed as part of a predisposition screen in an ostensibly healthy population. A literature search was performed for the gene, cDNA change, and amino acid change (where applicable). No publications were found based on this search. Allele frequency data from public databases was too high to be consistent with this variant causing disease. Therefore, this variant is classified as benign.

Illumina Laboratory Services, Illumina
Classification: Benign for Achromatopsia 3. Last evaluated: 2017-04-27. Review status: criteria provided, single submitter. Criteria: ICSL Variant Classification Criteria 13 December 2019. Collection method: clinical testing. Allele origin: germline.
Comment: the same text as in the submission from Illumina Laboratory Services, Illumina above.